The following is an entry in ClinVar:

NM_177438.3(DICER1):c.5017A>G (p.Ile1673Val)

Gene: DICER1 (dicer 1, ribonuclease III; minus strand). Cytogenetic location: 14q32.13.
Variant type: single nucleotide variant.
Coding change: c.5017A>G on transcript NM_177438.3 (MANE Select); coding-DNA position 5017, A replaced by G.
Protein change: p.Ile1673Val; replaces isoleucine 1673 with valine.
Molecular consequence: missense variant.
Genome position (GRCh38, 1-based): chr14:95,095,903, T>C on the plus strand (A>G on the coding strand, the complement: DICER1 is on the minus strand). VCF-style: chr14-95095903-T-C. GRCh37 (hg19) VCF-style: chr14-95562240-T-C.
Other names: c.5017A>G, p.Ile1673Val (NM_001195573.1, NM_001271282.3, NM_001291628.2 and 1 more transcripts); c.5017A>G (NM_177438.2); short protein forms I1673V.
Identifiers: ClinVar variation 1041395 (VCV001041395.11), dbSNP rs1890266651, ClinGen allele CA390866089.

ClinVar aggregate classification (germline): Uncertain significance. Review status: criteria provided, multiple submitters, no conflicts (2 of 4 stars). 2 submissions from 2 submitters: Uncertain significance (2). Last evaluated 2026-02-26.

Conditions:
DICER1-related tumor predisposition. Also called: DICER1-related pleuropulmonary blastoma cancer predisposition syndrome; DICER1 syndrome. Identifiers: Orphanet 284343, MedGen C3839822, MONDO:0100216.
Hereditary cancer-predisposing syndrome. Also called: Hereditary Cancer Syndrome; Neoplastic Syndromes, Hereditary; Tumor predisposition; Hereditary neoplastic syndrome. Identifiers: Orphanet 140162, MedGen C0027672, MeSH D009386, MONDO:0015356.

Submissions (2):

Ambry Genetics
Classification: Uncertain significance for Hereditary cancer-predisposing syndrome. Last evaluated: 2026-02-26. Review status: criteria provided, single submitter. Criteria: Ambry Variant Classification Scheme 2023. Collection method: clinical testing. Allele origin: germline.
Comment: The p.I1673V variant (also known as c.5017A>G), located in coding exon 22 of the DICER1 gene, results from an A to G substitution at nucleotide position 5017. The isoleucine at codon 1673 is replaced by valine, an amino acid with highly similar properties. This amino acid position is highly conserved in available vertebrate species. In addition, the in silico prediction for this alteration is inconclusive. Based on the available evidence, the clinical significance of this variant remains unclear.

Labcorp Genetics (formerly Invitae), Labcorp
Classification: Uncertain significance for DICER1-related tumor predisposition. Last evaluated: 2020-08-19. Review status: criteria provided, single submitter. Criteria: Invitae Variant Classification Sherloc (09022015). Collection method: clinical testing. Allele origin: germline.
Comment: In summary, the available evidence is currently insufficient to determine the role of this variant in disease. Therefore, it has been classified as a Variant of Uncertain Significance. Algorithms developed to predict the effect of missense changes on protein structure and function are either unavailable or do not agree on the potential impact of this missense change (SIFT: "Tolerated"; PolyPhen-2: "Possibly Damaging"; Align-GVGD: "Class C15"). This variant has not been reported in the literature in individuals with DICER1-related conditions. This variant is not present in population databases (ExAC no frequency). This sequence change replaces isoleucine with valine at codon 1673 of the DICER1 protein (p.Ile1673Val). The isoleucine residue is highly conserved and there is a small physicochemical difference between isoleucine and valine.